The following is an entry in ClinVar:

ClinVar aggregate classification (germline): Uncertain significance (1 of 4 stars; one submission).

Conditions:
46,XY sex reversal 6. Also called: 46,XY SEX REVERSAL, PARTIAL OR COMPLETE, MAP3K1-RELATED; 46,XY GONADAL DYSGENESIS, PARTIAL OR COMPLETE, MAP3K1-RELATED. Identifiers: MedGen C3151064, MONDO:0013410, OMIM 613762.

Submission:

Labcorp Genetics (formerly Invitae), Labcorp
Classification: Uncertain significance for 46,XY sex reversal 6. Last evaluated: 2023-01-26. Review status: criteria provided, single submitter. Criteria: Invitae Variant Classification Sherloc (09022015). Collection method: clinical testing. Allele origin: germline.
Comment: This variant has not been reported in the literature in individuals affected with MAP3K1-related conditions. This sequence change replaces glycine, which is neutral and non-polar, with serine, which is neutral and polar, at codon 121 of the MAP3K1 protein (p.Gly121Ser). This variant is not present in population databases (gnomAD no frequency). Advanced modeling of protein sequence and biophysical properties (such as structural, functional, and spatial information, amino acid conservation, physicochemical variation, residue mobility, and thermodynamic stability) performed at Invitae indicates that this missense variant is not expected to disrupt MAP3K1 protein function. In summary, the available evidence is currently insufficient to determine the role of this variant in disease. Therefore, it has been classified as a Variant of Uncertain Significance.

NM_005921.2(MAP3K1):c.361G>A (p.Gly121Ser)

Genes: MAP3K1 (mitogen-activated protein kinase kinase kinase 1; plus strand), LOC129993918 (ATAC-STARR-seq lymphoblastoid silent region 16021; plus strand). Cytogenetic location: 5q11.2.
Variant type: single nucleotide variant.
Coding change: c.361G>A on transcript NM_005921.2 (MANE Select); coding-DNA position 361, G replaced by A.
Protein change: p.Gly121Ser; replaces glycine 121 with serine.
Molecular consequence: missense variant.
Genome position (GRCh38, 1-based): chr5:56,815,934, G>A. VCF-style: chr5-56815934-G-A. GRCh37 (hg19) VCF-style: chr5-56111761-G-A.
Other names: short protein forms G121S.
Identifiers: ClinVar variation 2831933 (VCV002831933.3), dbSNP rs779217907, ClinGen allele CA3272520.
Genomic context (GRCh38, chr5:56,815,934, plus strand): 5'-AGTGGGACCGGCTTCCAGCCTGTGGCGGTGCCGCCGCCCCACGGAGCCGCGAGCCGCGGC[G>A]GCGCCCACCTTACCGAGTCGGTGGCGGCGCCGGACAGCGGCGCCTCGAGTCCCGCAGCGG-3'
Protein context (NP_005912.1, residues 111-131): PPPHGAASRG[Gly121Ser]AHLTESVAAP